The following is an entry in ClinVar:

ClinVar aggregate classification (germline): Benign. Review status: criteria provided, multiple submitters, no conflicts (2 of 4 stars). 7 submissions from 7 submitters: Benign (7). Last evaluated 2026-02-04.

Conditions:
T-cell immunodeficiency, congenital alopecia, and nail dystrophy. Also called: Congenital alopecia and nail dystrophy associated with severe functional T-cell immunodeficiency; Pignata Guarino syndrome. Identifiers: Orphanet 169095, MedGen C1866426, MONDO:0011132, OMIM 601705.

Allele frequency attached by ClinVar (database versions not stated): ESP Exome Variant Server 0.06820; gnomAD 0.08836 and 0.09115; gnomAD exomes 0.09043 and 0.11353; TOPMed 0.09709; ExAC 0.10559; 1000 Genomes Project 0.12500; 1000 Genomes Project 30x 0.12523.
gnomAD v4.1: 145,237 of 1,603,446 alleles (9.1%); highest among the groups gnomAD compares: East Asian, 25%; 8,409 homozygotes.

Submissions (7):

Labcorp Genetics (formerly Invitae), Labcorp
Classification: Benign for T-cell immunodeficiency, congenital alopecia, and nail dystrophy. Last evaluated: 2026-02-04. Review status: criteria provided, single submitter. Criteria: Invitae Variant Classification Sherloc (09022015). Collection method: clinical testing. Allele origin: germline.

Unidad de Genómica Garrahan, Hospital de Pediatría Garrahan
Classification: Benign. Last evaluated: 2024-01-24. Review status: criteria provided, single submitter. Criteria: ACMG Guidelines, 2015. Collection method: clinical testing. Allele origin: germline. Affected: no. Observed: 34 variant alleles.
Comment: This variant is classified as Benign based on local population frequency. This variant was detected in 36% of patients studied by a panel of primary immunodeficiencies. Number of patients: 34. Only high quality variants are reported.

Mayo Clinic Laboratories, Mayo Clinic
Classification: Benign. Last evaluated: 2018-05-25. Review status: criteria provided, single submitter. Criteria: ACMG Guidelines, 2015. Collection method: clinical testing. Allele origin: germline. Observed: 19 variant alleles.

Illumina Laboratory Services, Illumina
Classification: Benign for T-cell immunodeficiency, congenital alopecia, and nail dystrophy. Last evaluated: 2018-01-13. Review status: criteria provided, single submitter. Criteria: ICSL Variant Classification Criteria 13 December 2019. Collection method: clinical testing. Allele origin: germline.
Comment: This variant was observed in the ICSL laboratory as part of a predisposition screen in an ostensibly healthy population. It had not been previously curated by ICSL or reported in the Human Gene Mutation Database (HGMD: prior to June 1st, 2018), and was therefore a candidate for classification through an automated scoring system. Utilizing variant allele frequency, disease prevalence and penetrance estimates, and inheritance mode, an automated score was calculated to assess if this variant is too frequent to cause the disease. Based on the score and internal cut-off values, a variant classified as benign is not then subjected to further curation. The score for this variant resulted in a classification of benign for this disease.

Laboratory for Molecular Medicine, Mass General Brigham Personalized Medicine
Classification: Benign. Last evaluated: 2016-03-28. Review status: criteria provided, single submitter. Criteria: LMM Criteria. Collection method: clinical testing. Allele origin: germline.
Comment: Variant identified in a genome or exome case(s) and assessed due to predicted null impact of the variant or pathogenic assertions in the literature or databases. Disclaimer: This variant has not undergone full assessment. The following are preliminary notes: Frequency

GeneDx
Classification: Benign. Last evaluated: 2015-11-25. Review status: criteria provided, single submitter. Criteria: GeneDx Variant Classification (06012015). Collection method: clinical testing. Allele origin: germline. Affected: yes.
Comment: This variant is considered likely benign or benign based on one or more of the following criteria: it is a conservative change, it occurs at a poorly conserved position in the protein, it is predicted to be benign by multiple in silico algorithms, and/or has population frequency not consistent with disease.

Breakthrough Genomics
Classification: Benign. Review status: criteria provided, single submitter. Criteria: ACMG Guidelines, 2015. Collection method: not provided. Allele origin: germline. Inheritance: Autosomal recessive inheritance. Affected: yes.

NM_001369369.1(FOXN1):c.852T>C (p.Leu284=)

Gene: FOXN1 (forkhead box N1; plus strand). Cytogenetic location: 17q11.2.
Variant type: single nucleotide variant.
Coding change: c.852T>C on transcript NM_001369369.1 (MANE Select); coding-DNA position 852, T replaced by C.
Protein change: p.Leu284=; no amino-acid change (leucine 284 retained).
Molecular consequence: synonymous variant.
Genome position (GRCh38, 1-based): chr17:28,530,770, T>C. VCF-style: chr17-28530770-T-C. GRCh37 (hg19) VCF-style: chr17-26857788-T-C.
Other names: p.Leu284=; c.852T>C, p.Leu284= (NM_003593.3).
Identifiers: ClinVar variation 322425 (VCV000322425.20), dbSNP rs12449554, ClinGen allele CA8459381.